The following is an entry in ClinVar:

ClinVar aggregate classification (germline): Likely benign. Review status: criteria provided, single submitter (1 of 4 stars). 2 submissions from 2 submitters: Likely benign (1). 1 of the submissions does not count toward it. Last evaluated 2025-09-13.

Conditions:
ZCCHC8-related disorder. Also called: ZCCHC8-related condition.

Allele frequency attached by ClinVar (database versions not stated): ExAC 0.00001; ESP Exome Variant Server 0.00008.
gnomAD v4.1: 21 of 1,506,810 alleles (0.0014%); highest among the groups gnomAD compares: African/African-American, 0.0042%; no homozygotes.

Submissions (2):

Labcorp Genetics (formerly Invitae), Labcorp
Classification: Likely benign. Last evaluated: 2025-09-13. Review status: criteria provided, single submitter. Criteria: Invitae Variant Classification Sherloc (09022015). Collection method: clinical testing. Allele origin: germline.

PreventionGenetics, part of Exact Sciences
Classification: Likely benign for ZCCHC8-related condition. Last evaluated: 2019-03-28. Review status: no assertion criteria provided. Collection method: clinical testing. Allele origin: germline. Not counted in ClinVar's aggregate classification.
Comment: This variant is classified as likely benign based on ACMG/AMP sequence variant interpretation guidelines (Richards et al. 2015 PMID: 25741868, with internal and published modifications).

NM_017612.5(ZCCHC8):c.1482G>A (p.Pro494=)

Gene: ZCCHC8 (zinc finger CCHC-type containing 8; minus strand). Cytogenetic location: 12q24.31.
Variant type: single nucleotide variant.
Coding change: c.1482G>A on transcript NM_017612.5 (MANE Select); coding-DNA position 1482, G replaced by A.
Protein change: p.Pro494=; no amino-acid change (proline 494 retained).
Molecular consequence: synonymous variant.
Genome position (GRCh38, 1-based): chr12:122,474,139, C>T on the plus strand (G>A on the coding strand, the complement: ZCCHC8 is on the minus strand). VCF-style: chr12-122474139-C-T. GRCh37 (hg19) VCF-style: chr12-122958686-C-T.
Other names: c.1251G>A, p.Pro417= (NM_001350935.2); c.1185G>A, p.Pro395= (NM_001350936.2); c.768G>A, p.Pro256= (NM_001350937.2, NM_001350938.2); c.1482G>A (NM_017612.4).
Identifiers: ClinVar variation 1606664 (VCV001606664.10), dbSNP rs371400716, ClinGen allele CA6846156.